The following is an entry in ClinVar:

NM_194277.3(FRMD7):c.1630C>T (p.Gln544Ter)

Gene: FRMD7 (FERM domain containing 7; minus strand). Cytogenetic location: Xq26.2.
Variant type: single nucleotide variant.
Coding change: c.1630C>T on transcript NM_194277.3 (MANE Select); coding-DNA position 1630, C replaced by T.
Protein change: p.Gln544Ter; replaces glutamine 544 with a stop codon.
Molecular consequence: nonsense.
Genome position (GRCh38, 1-based): chrX:132,078,387, G>A on the plus strand (C>T on the coding strand, the complement: FRMD7 is on the minus strand). VCF-style: chrX-132078387-G-A. GRCh37 (hg19) VCF-style: chrX-131212415-G-A.
Other names: c.1585C>T, p.Gln529Ter (NM_001306193.2); short protein forms Q544*, Q529*.
Identifiers: ClinVar variation 2107948 (VCV002107948.4), dbSNP rs2520696464, ClinGen allele CA414678652.

ClinVar aggregate classification (germline): Pathogenic (1 of 4 stars; one submission).

Submission:

Labcorp Genetics (formerly Invitae), Labcorp
Classification: Pathogenic. Last evaluated: 2022-03-09. Review status: criteria provided, single submitter. Criteria: Invitae Variant Classification Sherloc (09022015). Collection method: clinical testing. Allele origin: germline.
Comment: This variant has not been reported in the literature in individuals affected with FRMD7-related conditions. For these reasons, this variant has been classified as Pathogenic. This variant disrupts a region of the FRMD7 protein in which other variant(s) (p.Val549Tyrfs*6) have been determined to be pathogenic (PMID: 24434814, 25678693). This suggests that this is a clinically significant region of the protein, and that variants that disrupt it are likely to be disease-causing. This variant is not present in population databases (gnomAD no frequency). This sequence change creates a premature translational stop signal (p.Gln544*) in the FRMD7 gene. While this is not anticipated to result in nonsense mediated decay, it is expected to disrupt the last 171 amino acid(s) of the FRMD7 protein.

Literature cited by the submitters: PubMed 24434814; PubMed 25678693.